The following is an entry in ClinVar:

NM_015272.5(RPGRIP1L):c.3294+6T>C

Gene: RPGRIP1L (RPGRIP1 like; minus strand). Cytogenetic location: 16q12.2.
Variant type: single nucleotide variant.
Coding change: c.3294+6T>C on transcript NM_015272.5 (MANE Select); 6 bases into the intron after coding-DNA position 3294, T replaced by C.
Molecular consequence: intron variant.
Genome position (GRCh38, 1-based): chr16:53,636,433, A>G on the plus strand (T>C on the coding strand, the complement: RPGRIP1L is on the minus strand). VCF-style: chr16-53636433-A-G. GRCh37 (hg19) VCF-style: chr16-53670345-A-G.
Other names: c.3192+6T>C (NM_001127897.4, NM_001330538.2); c.3294+6T>C (NM_001308334.3).
Identifiers: ClinVar variation 1351022 (VCV001351022.6), dbSNP rs2151029086, ClinGen allele CA2573152383.

ClinVar aggregate classification (germline): Uncertain significance (1 of 4 stars; one submission).

Conditions:
Joubert syndrome. Also called: CEREBELLOPARENCHYMAL DISORDER IV; JOUBERT-BOLTSHAUSER SYNDROME; Familial aplasia of the vermis. Identifiers: Orphanet 475, MedGen C5979921, MONDO:0018772.
Meckel-Gruber syndrome. Also called: DYSENCEPHALIA SPLANCHNOCYSTICA; GRUBER SYNDROME; Dysencephalia splachnocystica. Identifiers: Orphanet 564, MedGen C0265215, MONDO:0018921.

Submission:

Labcorp Genetics (formerly Invitae), Labcorp
Classification: Uncertain significance for Joubert syndrome; Meckel-Gruber syndrome. Last evaluated: 2020-11-25. Review status: criteria provided, single submitter. Criteria: Invitae Variant Classification Sherloc (09022015). Collection method: clinical testing. Allele origin: germline.
Comment: This sequence change falls in intron 22 of the RPGRIP1L gene. It does not directly change the encoded amino acid sequence of the RPGRIP1L protein. It affects a nucleotide within the consensus splice site of the intron. This variant is not present in population databases (ExAC no frequency). This variant has not been reported in the literature in individuals with RPGRIP1L-related conditions. Nucleotide substitutions within the consensus splice site are a relatively common cause of aberrant splicing (PMID: 17576681, 9536098). Algorithms developed to predict the effect of sequence changes on RNA splicing suggest that this variant may disrupt the consensus splice site, but this prediction has not been confirmed by published transcriptional studies. In summary, the available evidence is currently insufficient to determine the role of this variant in disease. Therefore, it has been classified as a Variant of Uncertain Significance.

Literature cited by the submitters: PubMed 17576681; PubMed 9536098.